The following is an entry in ClinVar:

ClinVar aggregate classification (germline): Uncertain significance (1 of 4 stars; one submission).

Conditions:
Immunodeficiency, common variable, 2 (CVID2). Also called: ANTIBODY DEFICIENCY DUE TO TACI DEFECT; HYPOGAMMAGLOBULINEMIA DUE TO TACI DEFICIENCY. Identifiers: Orphanet 1572, MedGen C3150354, MONDO:0009413, OMIM 240500.

Allele frequency attached by ClinVar (database versions not stated): gnomAD exomes below 0.00001; gnomAD 0.00001.
gnomAD v4.1: 2 of 1,610,614 alleles (0.00012%); highest among the groups gnomAD compares: Non-Finnish European, 0.00017%; no homozygotes.

Submission:

Labcorp Genetics (formerly Invitae), Labcorp
Classification: Uncertain significance for Immunodeficiency, common variable, 2. Last evaluated: 2022-07-29. Review status: criteria provided, single submitter. Criteria: Invitae Variant Classification Sherloc (09022015). Collection method: clinical testing. Allele origin: germline.
Comment: This sequence change replaces serine, which is neutral and polar, with threonine, which is neutral and polar, at codon 223 of the TNFRSF13B protein (p.Ser223Thr). This variant is not present in population databases (gnomAD no frequency). This variant has not been reported in the literature in individuals affected with TNFRSF13B-related conditions. Algorithms developed to predict the effect of missense changes on protein structure and function output the following: SIFT: "Tolerated"; PolyPhen-2: "Benign"; Align-GVGD: "Class C0". The threonine amino acid residue is found in multiple mammalian species, which suggests that this missense change does not adversely affect protein function. In summary, the available evidence is currently insufficient to determine the role of this variant in disease. Therefore, it has been classified as a Variant of Uncertain Significance.

NM_012452.3(TNFRSF13B):c.667T>A (p.Ser223Thr)

Gene: TNFRSF13B (TNF receptor superfamily member 13B; minus strand). Cytogenetic location: 17p11.2.
Variant type: single nucleotide variant.
Coding change: c.667T>A on transcript NM_012452.3 (MANE Select); coding-DNA position 667, T replaced by A.
Protein change: p.Ser223Thr; replaces serine 223 with threonine.
Molecular consequence: missense variant.
Genome position (GRCh38, 1-based): chr17:16,939,762, A>T on the plus strand (T>A on the coding strand, the complement: TNFRSF13B is on the minus strand). VCF-style: chr17-16939762-A-T. GRCh37 (hg19) VCF-style: chr17-16843076-A-T.
Other names: short protein forms S223T.
Identifiers: ClinVar variation 2190883 (VCV002190883.1), dbSNP rs1023341361, ClinGen allele CA398519273.